The following is an entry in ClinVar:

NM_005896.4(IDH1):c.1111T>A (p.Phe371Ile)

Gene: IDH1 (isocitrate dehydrogenase (NADP(+)) 1; minus strand). Cytogenetic location: 2q34.
Variant type: single nucleotide variant.
Coding change: c.1111T>A on transcript NM_005896.4 (MANE Select); coding-DNA position 1111, T replaced by A.
Protein change: p.Phe371Ile; replaces phenylalanine 371 with isoleucine.
Molecular consequence: missense variant.
Genome position (GRCh38, 1-based): chr2:208,239,114, A>T on the plus strand (T>A on the coding strand, the complement: IDH1 is on the minus strand). VCF-style: chr2-208239114-A-T. GRCh37 (hg19) VCF-style: chr2-209103838-A-T.
Other names: c.1111T>A, p.Phe371Ile (NM_001282386.1, NM_001282387.1); short protein forms F371I.
Identifiers: ClinVar variation 1795325 (VCV001795325.2), dbSNP rs2124847295, ClinGen allele CA350094189.

ClinVar aggregate classification (germline): Uncertain significance (1 of 4 stars; one submission).

Submission:

Ambry Genetics
Classification: Uncertain significance. Last evaluated: 2022-04-19. Review status: criteria provided, single submitter. Criteria: Ambry Variant Classification Scheme 2023. Collection method: clinical testing. Allele origin: germline.
Comment: The p.F371I variant (also known as c.1111T>A), located in coding exon 7 of the IDH1 gene, results from a T to A substitution at nucleotide position 1111. The phenylalanine at codon 371 is replaced by isoleucine, an amino acid with highly similar properties. This amino acid position is conserved. In addition, the in silico prediction for this alteration is inconclusive. Since supporting evidence is limited at this time, the clinical significance of this alteration remains unclear.